The following is an entry in ClinVar:

NM_025137.4(SPG11):c.4695T>C (p.Tyr1565=)

Gene: SPG11 (SPG11 vesicle trafficking associated, spatacsin; minus strand). Cytogenetic location: 15q21.1.
Variant type: single nucleotide variant.
Coding change: c.4695T>C on transcript NM_025137.4 (MANE Select); coding-DNA position 4695, T replaced by C.
Protein change: p.Tyr1565=; no amino-acid change (tyrosine 1565 retained).
Molecular consequence: synonymous variant.
Genome position (GRCh38, 1-based): chr15:44,592,379, A>G on the plus strand (T>C on the coding strand, the complement: SPG11 is on the minus strand). VCF-style: chr15-44592379-A-G. GRCh37 (hg19) VCF-style: chr15-44884577-A-G.
Other names: c.4695T>C, p.Tyr1565= (NM_001160227.2); c.4695T>C (NM_025137.3).
Identifiers: ClinVar variation 1539464 (VCV001539464.9), dbSNP rs369641994, ClinGen allele CA7534612.

ClinVar aggregate classification (germline): Likely benign. Review status: criteria provided, multiple submitters, no conflicts (2 of 4 stars). 2 submissions from 2 submitters: Likely benign (2). Last evaluated 2026-04-07.

Conditions:
Hereditary spastic paraplegia 11. Also called: SPASTIC PARAPLEGIA, AUTOSOMAL RECESSIVE, COMPLICATED, WITH THIN CORPUS CALLOSUM; SPASTIC PARAPLEGIA, AUTOSOMAL RECESSIVE, WITH MENTAL IMPAIRMENT AND THIN CORPUS CALLOSUM; Spastic paraplegia, mental retardation and thin corpus callosum; Spastic Paraplegia 11; Nakamura Osame syndrome; Autosomal recessive hereditary spastic paraplegia, mental impairment, and thin corpus callosum. Identifiers: Orphanet 2822, MedGen C1858479, MONDO:0011445, OMIM 604360.
SPG11-related disorder. Also called: SPG11-related condition.

Allele frequency attached by ClinVar (database versions not stated): gnomAD exomes below 0.00001 and 0.00001; ExAC 0.00001; gnomAD 0.00001; TOPMed 0.00002; ESP Exome Variant Server 0.00008.
gnomAD v4.1: 4 of 1,612,824 alleles (0.00025%); highest among the groups gnomAD compares: Admixed American, 0.0017%; no homozygotes.

Submissions (2):

PreventionGenetics, part of Exact Sciences
Classification: Likely benign for SPG11-related condition. Last evaluated: 2026-04-07. Review status: criteria provided, single submitter. Criteria: ACMG Guidelines, 2015. Collection method: clinical testing. Allele origin: germline.
Comment: This variant is classified as likely benign based on ACMG/AMP sequence variant interpretation guidelines (Richards et al. 2015 PMID: 25741868, with internal and published modifications).

Labcorp Genetics (formerly Invitae), Labcorp
Classification: Likely benign for Hereditary spastic paraplegia 11. Last evaluated: 2023-10-15. Review status: criteria provided, single submitter. Criteria: Invitae Variant Classification Sherloc (09022015). Collection method: clinical testing. Allele origin: germline.